The following is an entry in ClinVar:

ClinVar aggregate classification (germline): Uncertain significance. Review status: criteria provided, multiple submitters, no conflicts (2 of 4 stars). 2 submissions from 2 submitters: Uncertain significance (2). Last evaluated 2026-02-04.

Conditions:
Cardiovascular phenotype. Identifiers: MedGen CN230736.
Dilated cardiomyopathy 1W (CMD1W). Identifiers: Orphanet 154, MedGen C1969639, MONDO:0012667, OMIM 611407.

Allele frequency attached by ClinVar (database versions not stated): gnomAD 0.00003 and 0.00004; TOPMed 0.00002.
gnomAD v4.1: 6 of 1,613,876 alleles (0.00037%); highest among the groups gnomAD compares: African/African-American, 0.0067%; no homozygotes.

Submissions (2):

Ambry Genetics
Classification: Uncertain significance for Cardiovascular phenotype. Last evaluated: 2026-02-04. Review status: criteria provided, single submitter. Criteria: Ambry Variant Classification Scheme 2023. Collection method: clinical testing. Allele origin: germline.
Comment: The p.I175T variant (also known as c.524T>C), located in coding exon 5 of the VCL gene, results from a T to C substitution at nucleotide position 524. The isoleucine at codon 175 is replaced by threonine, an amino acid with similar properties. This amino acid position is highly conserved in available vertebrate species. In addition, the in silico prediction for this alteration is inconclusive. Based on the available evidence, the clinical significance of this variant remains unclear.

Labcorp Genetics (formerly Invitae), Labcorp
Classification: Uncertain significance for Dilated cardiomyopathy 1W. Last evaluated: 2025-09-20. Review status: criteria provided, single submitter. Criteria: Invitae Variant Classification Sherloc (09022015). Collection method: clinical testing. Allele origin: germline.
Comment: This sequence change replaces isoleucine, which is neutral and non-polar, with threonine, which is neutral and polar, at codon 175 of the VCL protein (p.Ile175Thr). This variant is present in population databases (no rsID available, gnomAD 0.01%). This variant has not been reported in the literature in individuals affected with VCL-related conditions. ClinVar contains an entry for this variant (Variation ID: 1008254). An algorithm developed to predict the effect of missense changes on protein structure and function (PolyPhen-2) suggests that this variant is likely to be disruptive. In summary, the available evidence is currently insufficient to determine the role of this variant in disease. Therefore, it has been classified as a Variant of Uncertain Significance.

NM_014000.3(VCL):c.524T>C (p.Ile175Thr)

Gene: VCL (vinculin; plus strand). Cytogenetic location: 10q22.2.
Variant type: single nucleotide variant.
Coding change: c.524T>C on transcript NM_014000.3 (MANE Select); coding-DNA position 524, T replaced by C.
Protein change: p.Ile175Thr; replaces isoleucine 175 with threonine.
Molecular consequence: missense variant.
Genome position (GRCh38, 1-based): chr10:74,072,754, T>C. VCF-style: chr10-74072754-T-C. GRCh37 (hg19) VCF-style: chr10-75832512-T-C.
Other names: c.524T>C, p.Ile175Thr (NM_003373.4); c.524T>C (NM_014000.2); short protein forms I175T.
Identifiers: ClinVar variation 1008254 (VCV001008254.11), dbSNP rs983682263, ClinGen allele CA209693104.